The following is an entry in ClinVar:

NM_000492.4(CFTR):c.3281C>T (p.Ser1094Leu)

Genes: CFTR (CF transmembrane conductance regulator; plus strand), CFTR-AS2 (CFTR antisense RNA 2; minus strand), LOC111674472 (DNase I hypersensitive sites in introns 16 and 17a of CFTR; plus strand). Cytogenetic location: 7q31.2.
Variant type: single nucleotide variant.
Coding change: c.3281C>T on transcript NM_000492.4 (MANE Select); coding-DNA position 3281, C replaced by T.
Protein change: p.Ser1094Leu; replaces serine 1094 with leucine.
Molecular consequence: missense variant.
Genome position (GRCh38, 1-based): chr7:117,611,722, C>T. VCF-style: chr7-117611722-C-T. GRCh37 (hg19) VCF-style: chr7-117251776-C-T.
Other names: short protein forms S1094L.
Identifiers: ClinVar variation 4650432 (VCV004650432.1).
Genomic context (GRCh38, chr7:117,611,722, plus strand): 5'-TTGAAACTCTGTTCCACAAAGCTCTGAATTTACATACTGCCAACTGGTTCTTGTACCTGT[C>T]AACACTGCGCTGGTTCCAAATGAGAATAGAAATGATTTTTGTCATCTTCTTCATTGCTGT-3'
Protein context (NP_000483.3, residues 1084-1104): LHTANWFLYL[Ser1094Leu]TLRWFQMRIE

ClinVar aggregate classification (germline): Uncertain significance (1 of 4 stars; one submission).

Conditions:
Cystic fibrosis (CF). Also called: MUCOVISCIDOSIS. Identifiers: Orphanet 586, MedGen C0010674, MONDO:0009061, OMIM 219700. Disease mechanism: loss of function.

Submission:

Ambry Genetics
Classification: Uncertain significance for Cystic fibrosis. Last evaluated: 2025-11-12. Review status: criteria provided, single submitter. Criteria: Ambry Variant Classification Scheme 2023. Collection method: clinical testing. Allele origin: germline.
Comment: The p.S1094L variant (also known as c.3281C>T), located in coding exon 20 of the CFTR gene, results from a C to T substitution at nucleotide position 3281. The serine at codon 1094 is replaced by leucine, an amino acid with dissimilar properties. This amino acid position is conserved. In addition, this alteration is predicted to be deleterious by in silico analysis. Based on the available evidence, the clinical significance of this variant remains unclear.